The following is an entry in ClinVar:

NM_000717.5(CA4):c.790G>A (p.Val264Met)

Gene: CA4 (carbonic anhydrase 4; plus strand). Cytogenetic location: 17q23.1.
Variant type: single nucleotide variant.
Coding change: c.790G>A on transcript NM_000717.5 (MANE Select); coding-DNA position 790, G replaced by A.
Protein change: p.Val264Met; replaces valine 264 with methionine.
Molecular consequence: missense variant. On other transcripts: non-coding transcript variant (1).
Genome position (GRCh38, 1-based): chr17:60,159,275, G>A. VCF-style: chr17-60159275-G-A. GRCh37 (hg19) VCF-style: chr17-58236636-G-A.
Other names: c.790G>A (NM_000717.3); short protein forms V264M.
Identifiers: ClinVar variation 967541 (VCV000967541.13), dbSNP rs748492425, ClinGen allele CA8685539.

ClinVar aggregate classification (germline): Conflicting classifications of pathogenicity. Review status: criteria provided, conflicting classifications (1 of 4 stars). 3 submissions from 3 submitters: Uncertain significance (2); Likely benign (1). Last evaluated 2025-08-25.

Allele frequency attached by ClinVar (database versions not stated): gnomAD 0.00003 and 0.00004; TOPMed 0.00003; gnomAD exomes 0.00004; ExAC 0.00011.
gnomAD v4.1: 58 of 1,609,980 alleles (0.0036%); highest among the groups gnomAD compares: Non-Finnish European, 0.0046%; no homozygotes.

Submissions (3):

Ambry Genetics
Classification: Uncertain significance. Last evaluated: 2025-08-25. Review status: criteria provided, single submitter. Criteria: Ambry Variant Classification Scheme 2023. Collection method: clinical testing. Allele origin: germline.

Labcorp Genetics (formerly Invitae), Labcorp
Classification: Uncertain significance. Last evaluated: 2025-02-13. Review status: criteria provided, single submitter. Criteria: Invitae Variant Classification Sherloc (09022015). Collection method: clinical testing. Allele origin: germline.
Comment: This sequence change replaces valine, which is neutral and non-polar, with methionine, which is neutral and non-polar, at codon 264 of the CA4 protein (p.Val264Met). This variant is present in population databases (rs748492425, gnomAD 0.01%). This variant has not been reported in the literature in individuals affected with CA4-related conditions. ClinVar contains an entry for this variant (Variation ID: 967541). An algorithm developed to predict the effect of missense changes on protein structure and function outputs the following: PolyPhen-2: "Benign". The methionine amino acid residue is found in multiple mammalian species, which suggests that this missense change does not adversely affect protein function. In summary, the available evidence is currently insufficient to determine the role of this variant in disease. Therefore, it has been classified as a Variant of Uncertain Significance.

Blueprint Genetics
Classification: Likely benign. Last evaluated: 2022-03-14. Review status: criteria provided, single submitter. Criteria: ACMG Guidelines, 2015. Collection method: clinical testing. Allele origin: germline.